The following is an entry in ClinVar:

ClinVar aggregate classification (germline): Pathogenic (1 of 4 stars; one submission).

Submission:

ARUP Laboratories, Molecular Genetics and Genomics, ARUP Laboratories
Classification: Pathogenic. Last evaluated: 2019-05-23. Review status: criteria provided, single submitter. Criteria: ARUP Molecular Germline Variant Investigation Process. Collection method: clinical testing. Allele origin: germline.
Comment: The NF1 c.4015_4028del14; p.Leu1339Ter variant, to our knowledge, is not described in the medical literature or in gene-specific databases. It is also absent from general population databases (Exome Variant Server and Genome Aggregation Database), indicating it is not a common polymorphism. This variant induces an early termination codon and is predicted to result in a truncated protein or mRNA subject to nonsense-mediated decay. Additionally, several downstream truncating variants have been described in individuals affected with neurofibromatosis type 1 (Bianchessi 2015, Sabbagh 2013). Based on available information, the p.Leu1339fs variant is considered pathogenic. REFERENCES Bianchessi D et al. 126 novel mutations in Italian patients with neurofibromatosis type 1. Mol Genet Genomic Med. 2015 Jul 7;3(6):513-25. Sabbagh A et al. NF1 molecular characterization and neurofibromatosis type I genotype-phenotype correlation: the French experience. Hum Mutat. 2013 Nov;34(11):1510-8.

NM_001042492.3(NF1):c.4015_4028del (p.Asn1338_Leu1339insTer)

Gene: NF1 (neurofibromin 1; plus strand). Cytogenetic location: 17q11.2.
Variant type: Deletion.
Coding change: c.4015_4028del on transcript NM_001042492.3 (MANE Select); coding-DNA positions 4015 to 4028, 14 bases deleted (CTCCTTCAGATGAC).
Protein change: p.Asn1338_Leu1339insTer.
Molecular consequence: nonsense. On other transcripts: frameshift variant (1).
Genome position (GRCh38, 1-based): chr17:31,249,024-31,249,037, CTCCTTCAGATGAC deleted; deleting any 14 consecutive bases within chr17:31,249,022-31,249,037 gives the same sequence; the c. name uses the placement nearest the transcript's 3' end. VCF-style (leftmost placement, unchanged base first): chr17-31249021-AACCTCCTTCAGATG-A. GRCh37 (hg19) VCF-style: chr17-29576039-AACCTCCTTCAGATG-A.
Other names: c.4015_4028delCTCCTTCAGATGAC, p.Leu1339Terfs (NM_000267.4).
Identifiers: ClinVar variation 811453 (VCV000811453.8), dbSNP rs1597735056, ClinGen allele CA915949961.